The following is an entry in ClinVar:

ClinVar aggregate classification (germline): Uncertain significance (1 of 4 stars; one submission).

Conditions:
Muscle AMP deaminase deficiency (MMDD). Also called: Myoadenylate deaminase deficiency, myopathy due to; Adenosine monophosphate deaminase 1 deficiency; AMP deaminase 1 deficiency; Adenosine Monophosphate Deaminase 1; ADENOSINE MONOPHOSPHATE DEAMINASE-1 DEFICIENCY, MYOPATHY DUE TO; AMPD1 DEFICIENCY. Identifiers: Orphanet 45, MedGen C3714933, MONDO:0014220, OMIM 615511.

Submission:

Labcorp Genetics (formerly Invitae), Labcorp
Classification: Uncertain significance for Muscle AMP deaminase deficiency. Last evaluated: 2022-01-03. Review status: criteria provided, single submitter. Criteria: Invitae Variant Classification Sherloc (09022015). Collection method: clinical testing. Allele origin: germline.
Comment: In summary, the available evidence is currently insufficient to determine the role of this variant in disease. Therefore, it has been classified as a Variant of Uncertain Significance. Algorithms developed to predict the effect of missense changes on protein structure and function are either unavailable or do not agree on the potential impact of this missense change (SIFT: "Tolerated"; PolyPhen-2: "Possibly Damaging"; Align-GVGD: "Class C0"). This variant has not been reported in the literature in individuals affected with AMPD1-related conditions. This variant is not present in population databases (gnomAD no frequency). This sequence change replaces lysine, which is basic and polar, with isoleucine, which is neutral and non-polar, at codon 63 of the AMPD1 protein (p.Lys63Ile).

NM_000036.3(AMPD1):c.89A>T (p.Lys30Ile)

Gene: AMPD1 (adenosine monophosphate deaminase 1; minus strand). Cytogenetic location: 1p13.2.
Variant type: single nucleotide variant.
Coding change: c.89A>T on transcript NM_000036.3 (MANE Select); coding-DNA position 89, A replaced by T.
Protein change: p.Lys30Ile; replaces lysine 30 with isoleucine.
Molecular consequence: missense variant.
Genome position (GRCh38, 1-based): chr1:114,688,687, T>A on the plus strand (A>T on the coding strand, the complement: AMPD1 is on the minus strand). VCF-style: chr1-114688687-T-A. GRCh37 (hg19) VCF-style: chr1-115231308-T-A.
Other names: c.77A>T, p.Lys26Ile (NM_001172626.2); short protein forms K26I, K30I.
Identifiers: ClinVar variation 2072574 (VCV002072574.4), dbSNP rs923782706, ClinGen allele CA341733972.